The following is an entry in ClinVar:

NM_012335.4(MYO1F):c.2338C>G (p.Arg780Gly)

Gene: MYO1F (myosin IF; minus strand). Cytogenetic location: 19p13.2.
Variant type: single nucleotide variant.
Coding change: c.2338C>G on transcript NM_012335.4 (MANE Select); coding-DNA position 2338, C replaced by G.
Protein change: p.Arg780Gly; replaces arginine 780 with glycine.
Molecular consequence: missense variant.
Genome position (GRCh38, 1-based): chr19:8,527,474, G>C on the plus strand (C>G on the coding strand, the complement: MYO1F is on the minus strand). VCF-style: chr19-8527474-G-C. GRCh37 (hg19) VCF-style: chr19-8592358-G-C.
Other names: c.2326C>G, p.Arg776Gly (NM_001348355.2); short protein forms R776G, R780G.
Identifiers: ClinVar variation 929026 (VCV000929026.1), dbSNP rs201198914, ClinGen allele CA9158903.

ClinVar aggregate classification (germline): Uncertain significance (1 of 4 stars; one submission).

Allele frequency attached by ClinVar (database versions not stated): TOPMed 0.00044; ESP Exome Variant Server 0.00024.

Submission:

Women's Health and Genetics/Laboratory Corporation of America, LabCorp
Classification: Uncertain significance. Last evaluated: 2019-01-23. Review status: criteria provided, single submitter. Criteria: LabCorp Variant Classification Summary - May 2015. Collection method: clinical testing. Allele origin: germline.
Comment: Variant summary: MYO1F c.2338C>G (p.Arg780Gly) results in a non-conservative amino acid change located in the Class I myosin tail homology domain (IPR010926), that contains an embedded pleckstrin-homology (PH) domain capable of binding to lipid membranes (Patino-Lopez 2010). Four of five in-silico tools predict a damaging effect of the variant on protein function. The variant allele was found at a frequency of 0.00021 in 276512 control chromosomes (gnomaD). To our knowledge, no occurrence of c.2338C>G in individuals affected with Nonsyndromic hearing loss, and no experimental evidence demonstrating an impact on protein function has been reported. However, an in vitro site-directed mutagenesis study demonstrated that a different missense change affecting the same amino acid (Arg780Ala) resulted in decreased membrane localization (Patino-Lopez 2010). These data might support the functional significance of this residue. No clinical diagnostic laboratories have submitted clinical-significance assessments for this variant to ClinVar after 2014. Based on the evidence outlined above, the variant was classified as uncertain significance.

Literature cited by the submitters: PubMed 20071333.